The following is an entry in ClinVar:

ClinVar aggregate classification (germline): Uncertain significance (1 of 4 stars; one submission).

Submission:

Labcorp Genetics (formerly Invitae), Labcorp
Classification: Uncertain significance. Last evaluated: 2019-05-29. Review status: criteria provided, single submitter. Criteria: Invitae Variant Classification Sherloc (09022015). Collection method: clinical testing. Allele origin: germline.
Comment: In summary, the available evidence is currently insufficient to determine the role of this variant in disease. Therefore, it has been classified as a Variant of Uncertain Significance. Experimental studies and prediction algorithms are not available or were not evaluated for this variant, and the functional significance of the affected amino acid(s) is currently unknown. This variant has not been reported in the literature in individuals with SLC34A3-related conditions. This variant is a deletion of the genomic region encompassing part of exon 13 (c.1336-1_1345del) of the SLC34A3 gene. While this is not anticipated to result in nonsense mediated decay, it likely alters RNA splicing and results in a disrupted protein product.

NM_001177316.2(SLC34A3):c.1336-1_1345del

Gene: SLC34A3 (solute carrier family 34 member 3; plus strand). Cytogenetic location: 9q34.3.
Variant type: Deletion.
Coding change: c.1336-1_1345del on transcript NM_001177316.2 (MANE Select); the canonical splice acceptor site of the intron before coding-DNA position 1336 through coding-DNA position 1345, 11 bases deleted (GGTCGCCCTCA).
Molecular consequence: splice acceptor variant.
Genome position (GRCh38, 1-based): chr9:137,235,951-137,235,961, GGTCGCCCTCA deleted; deleting any 11 consecutive bases within chr9:137,235,949-137,235,961 gives the same sequence; the c. name uses the placement nearest the transcript's 3' end. VCF-style (leftmost placement, unchanged base first): chr9-137235948-CCAGGTCGCCCT-C. GRCh37 (hg19) VCF-style: chr9-140130400-CCAGGTCGCCCT-C.
Other names: c.1336-1_1345del (NM_001177317.2, NM_080877.3).
Identifiers: ClinVar variation 934785 (VCV000934785.8), dbSNP rs1836570479, ClinGen allele CA1139661370.
Genomic context (GRCh38, chr9:137,235,948, plus strand): 5'-GTCCGGGGCCCCTGGTGACCCCACCTCGTTGGGCCCAGGCCCCTGACAGCCCCCTCGCCC[CCAGGTCGCCCT>C]CATCCACTTCTTCTTCAACCTGGCCGGCATCCTGCTGTGGTACCTGGTGCCTGCACTGCG-3'